The following is an entry in ClinVar:

ClinVar aggregate classification (germline): Uncertain significance. Review status: criteria provided, multiple submitters, no conflicts (2 of 4 stars). 2 submissions from 2 submitters: Uncertain significance (2). Last evaluated 2024-08-05.

Conditions:
Mitochondrial complex II deficiency, nuclear type 1. Also called: SUCCINATE CoQ REDUCTASE DEFICIENCY. Identifiers: Orphanet 3208, MedGen C5700310, MONDO:0100294, OMIM 252011.
Pheochromocytoma/paraganglioma syndrome 5. Also called: Paragangliomas 5; SDHA-Related Hereditary Paraganglioma-Pheochromocytoma Syndrome. Identifiers: Orphanet 29072, MedGen C3279992, MONDO:0013602, OMIM 614165.
Hereditary cancer-predisposing syndrome. Also called: Hereditary Cancer Syndrome; Neoplastic Syndromes, Hereditary; Tumor predisposition; Hereditary neoplastic syndrome. Identifiers: Orphanet 140162, MedGen C0027672, MeSH D009386, MONDO:0015356.

Allele frequency attached by ClinVar (database versions not stated): gnomAD exomes below 0.00001.
gnomAD v4.1: 2 of 1,614,218 alleles (0.00012%); highest among the groups gnomAD compares: South Asian, 0.0011%; no homozygotes.

Submissions (2):

Labcorp Genetics (formerly Invitae), Labcorp
Classification: Uncertain significance for Pheochromocytoma/paraganglioma syndrome 5; Mitochondrial complex II deficiency, nuclear type 1. Last evaluated: 2024-08-05. Review status: criteria provided, single submitter. Criteria: Invitae Variant Classification Sherloc (09022015). Collection method: clinical testing. Allele origin: germline.
Comment: This sequence change replaces aspartic acid, which is acidic and polar, with asparagine, which is neutral and polar, at codon 341 of the SDHA protein (p.Asp341Asn). This variant is not present in population databases (gnomAD no frequency). This variant has not been reported in the literature in individuals affected with SDHA-related conditions. ClinVar contains an entry for this variant (Variation ID: 2248950). Advanced modeling of protein sequence and biophysical properties (such as structural, functional, and spatial information, amino acid conservation, physicochemical variation, residue mobility, and thermodynamic stability) has been performed at Invitae for this missense variant, however the output from this modeling did not meet the statistical confidence thresholds required to predict the impact of this variant on SDHA protein function. In summary, the available evidence is currently insufficient to determine the role of this variant in disease. Therefore, it has been classified as a Variant of Uncertain Significance.

Ambry Genetics
Classification: Uncertain significance for Hereditary cancer-predisposing syndrome. Last evaluated: 2021-09-19. Review status: criteria provided, single submitter. Criteria: Ambry Variant Classification Scheme 2023. Collection method: clinical testing. Allele origin: germline.

NM_004168.4(SDHA):c.1021G>A (p.Asp341Asn)

Gene: SDHA (succinate dehydrogenase complex flavoprotein subunit A; plus strand). Cytogenetic location: 5p15.33.
Variant type: single nucleotide variant.
Coding change: c.1021G>A on transcript NM_004168.4 (MANE Select); coding-DNA position 1021, G replaced by A.
Protein change: p.Asp341Asn; replaces aspartic acid 341 with asparagine.
Molecular consequence: missense variant.
Genome position (GRCh38, 1-based): chr5:233,602, G>A. VCF-style: chr5-233602-G-A. GRCh37 (hg19) VCF-style: chr5-233717-G-A.
Other names: c.877G>A, p.Asp293Asn (NM_001294332.2); c.1021G>A, p.Asp341Asn (NM_001330758.2); short protein forms D341N, D293N.
Identifiers: ClinVar variation 2248950 (VCV002248950.4), dbSNP rs2477350251, ClinGen allele CA359012891.